The following is an entry in ClinVar:

ClinVar aggregate classification (germline): Conflicting classifications of pathogenicity. Review status: criteria provided, conflicting classifications (1 of 4 stars). 7 submissions from 7 submitters: Uncertain significance (1); Benign (1); Likely benign (4). 1 of the submissions does not count toward it. Last evaluated 2025-12-21.

Conditions:
Inborn genetic diseases. Identifiers: MedGen C0950123, MeSH D030342.
Optic atrophy. Identifiers: MedGen C0029124, MONDO:0003608, HP:0000648.

Allele frequency attached by ClinVar (database versions not stated): gnomAD 0.00017 and 0.00019; gnomAD exomes 0.00019 and 0.00043; TOPMed 0.00020; ESP Exome Variant Server 0.00032; ExAC 0.00039.

Submissions (7):

Labcorp Genetics (formerly Invitae), Labcorp
Classification: Likely benign. Last evaluated: 2025-12-21. Review status: criteria provided, single submitter. Criteria: Invitae Variant Classification Sherloc (09022015). Collection method: clinical testing. Allele origin: germline.

Mayo Clinic Laboratories, Mayo Clinic
Classification: Benign. Last evaluated: 2025-02-25. Review status: criteria provided, single submitter. Criteria: ACMG Guidelines, 2015. Collection method: clinical testing. Allele origin: germline. Observed: 4 variant alleles.

Blueprint Genetics
Classification: Likely benign. Last evaluated: 2024-10-03. Review status: criteria provided, single submitter. Criteria: ACMG Guidelines, 2015. Collection method: clinical testing. Allele origin: germline.

Ambry Genetics
Classification: Uncertain significance for Inborn genetic diseases. Last evaluated: 2022-08-04. Review status: criteria provided, single submitter. Criteria: Ambry Variant Classification Scheme 2023. Collection method: clinical testing. Allele origin: germline.
Comment: The c.2276-4dupC alteration is located in intron 22 of the OPA1 gene. This alteration consists of a duplication of 1 nucleotide at position c.2276-4. Based on insufficient or conflicting evidence, the clinical significance of this alteration remains unclear.

GeneDx
Classification: Likely benign. Last evaluated: 2021-01-20. Review status: criteria provided, single submitter. Criteria: GeneDx Variant Classification Process June 2021. Collection method: clinical testing. Allele origin: germline. Affected: yes.

PreventionGenetics, part of Exact Sciences
Classification: Likely benign. Review status: criteria provided, single submitter. Criteria: ACMG Guidelines, 2015. Collection method: clinical testing. Allele origin: germline.

Institute of Human Genetics, Univ. Regensburg, Univ. Regensburg
Classification: Uncertain significance for Optic atrophy. Last evaluated: 2015-01-01. Review status: no assertion criteria provided. Criteria: ACMG Guidelines, 2015. Collection method: clinical testing. Allele origin: germline. Affected: yes. Not counted in ClinVar's aggregate classification.

NM_130837.3(OPA1):c.2441-4dup

Gene: OPA1 (OPA1 mitochondrial dynamin like GTPase; plus strand). Cytogenetic location: 3q29.
Variant type: Duplication.
Coding change: c.2441-4dup on transcript NM_130837.3 (MANE Select); 4 bases into the intron before coding-DNA position 2441, one base duplicated (C; older notation c.2441-4dupC).
Molecular consequence: intron variant.
Genome position (GRCh38, 1-based): chr3:193,659,478, C duplicated. VCF-style (leftmost placement, unchanged base first): chr3-193659477-T-TC. GRCh37 (hg19) VCF-style: chr3-193377266-T-TC.
Other names: p.?; c.1904-4dup (NM_001354664.2); c.1907-4dup (NM_001354663.2); c.2330-4dup (NM_130834.3); c.2387-4dup (NM_130836.3); c.2276-4dup (NM_015560.3, NM_015560.2); c.2333-4dup (NM_130835.3); c.2222-4dup (NM_130832.3); and 4 more.
Identifiers: ClinVar variation 262316 (VCV000262316.18), dbSNP rs761286590, ClinGen allele CA2759668.